The following is an entry in ClinVar:

NM_006502.3(POLH):c.24G>A (p.Val8=)

Gene: POLH (DNA polymerase eta; plus strand). Cytogenetic location: 6p21.1.
Variant type: single nucleotide variant.
Coding change: c.24G>A on transcript NM_006502.3 (MANE Select); coding-DNA position 24, G replaced by A.
Protein change: p.Val8=; no amino-acid change (valine 8 retained).
Molecular consequence: synonymous variant. On other transcripts: intron variant (1).
Genome position (GRCh38, 1-based): chr6:43,582,343, G>A. VCF-style: chr6-43582343-G-A. GRCh37 (hg19) VCF-style: chr6-43550080-G-A.
Other names: c.24G>A, p.Val8= (NM_001291970.2); c.-17-664G>A (NM_001291969.2).
Identifiers: ClinVar variation 2826404 (VCV002826404.4), dbSNP rs757358672, ClinGen allele CA450292316.

ClinVar aggregate classification (germline): Likely benign. Review status: criteria provided, single submitter (1 of 4 stars). 2 submissions from 2 submitters: Likely benign (1). 1 of the submissions does not count toward it. Last evaluated 2023-11-20.

Conditions:
POLH-related disorder. Also called: POLH-related condition.

gnomAD v4.1: 4 of 1,614,148 alleles (0.00025%); highest among the groups gnomAD compares: Middle Eastern, 0.016%; no homozygotes.

Submissions (2):

Labcorp Genetics (formerly Invitae), Labcorp
Classification: Likely benign. Last evaluated: 2023-11-20. Review status: criteria provided, single submitter. Criteria: Invitae Variant Classification Sherloc (09022015). Collection method: clinical testing. Allele origin: germline.

PreventionGenetics, part of Exact Sciences
Classification: Likely benign for POLH-related condition. Last evaluated: 2019-05-14. Review status: no assertion criteria provided. Collection method: clinical testing. Allele origin: germline. Not counted in ClinVar's aggregate classification.
Comment: This variant is classified as likely benign based on ACMG/AMP sequence variant interpretation guidelines (Richards et al. 2015 PMID: 25741868, with internal and published modifications).